The following is an entry in ClinVar:

NM_198834.3(ACACA):c.1120-8T>C

Gene: ACACA (acetyl-CoA carboxylase alpha; minus strand). Cytogenetic location: 17q12.
Variant type: single nucleotide variant.
Coding change: c.1120-8T>C on transcript NM_198834.3 (MANE Select); 8 bases into the intron before coding-DNA position 1120, T replaced by C.
Molecular consequence: intron variant.
Genome position (GRCh38, 1-based): chr17:37,263,902, A>G on the plus strand (T>C on the coding strand, the complement: ACACA is on the minus strand). VCF-style: chr17-37263902-A-G. GRCh37 (hg19) VCF-style: chr17-35620805-A-G.
Other names: c.1120-8T>C (NM_198834.2); c.1009-8T>C (NM_198839.3, NM_198836.3); c.835-8T>C (NM_198837.2); c.775-8T>C (NM_198838.2).
Identifiers: ClinVar variation 1660960 (VCV001660960.10), dbSNP rs139772228, ClinGen allele CA8515823.

ClinVar aggregate classification (germline): Benign. Review status: criteria provided, single submitter (1 of 4 stars). 2 submissions from 2 submitters: Benign (1). 1 of the submissions does not count toward it. Last evaluated 2026-01-12.

Conditions:
ACACA-related disorder. Also called: ACACA-related condition.

Allele frequency attached by ClinVar (database versions not stated): ESP Exome Variant Server 0.00015; gnomAD exomes 0.00039 and 0.00197; gnomAD 0.00042; 1000 Genomes Project 30x 0.00047; 1000 Genomes Project 0.00060; TOPMed 0.00105; ExAC 0.00169.
gnomAD v4.1: 625 of 1,610,348 alleles (0.039%); highest among the groups gnomAD compares: Admixed American, 0.99%; 8 homozygotes.

Submissions (2):

Labcorp Genetics (formerly Invitae), Labcorp
Classification: Benign. Last evaluated: 2026-01-12. Review status: criteria provided, single submitter. Criteria: Invitae Variant Classification Sherloc (09022015). Collection method: clinical testing. Allele origin: germline.

PreventionGenetics, part of Exact Sciences
Classification: Benign for ACACA-related condition. Last evaluated: 2019-11-04. Review status: no assertion criteria provided. Collection method: clinical testing. Allele origin: germline. Not counted in ClinVar's aggregate classification.
Comment: This variant is classified as benign based on ACMG/AMP sequence variant interpretation guidelines (Richards et al. 2015 PMID: 25741868, with internal and published modifications).